The following is an entry in ClinVar:

NM_024818.6(UBA5):c.550A>G (p.Asn184Asp)

Genes: NPHP3-ACAD11 (NPHP3-ACAD11 readthrough (NMD candidate); minus strand), UBA5 (ubiquitin like modifier activating enzyme 5; plus strand). Cytogenetic location: 3q22.1.
Variant type: single nucleotide variant.
Coding change: c.550A>G on transcript NM_024818.6 (MANE Select); coding-DNA position 550, A replaced by G.
Protein change: p.Asn184Asp; replaces asparagine 184 with aspartic acid.
Molecular consequence: missense variant.
Genome position (GRCh38, 1-based): chr3:132,671,020, A>G. VCF-style: chr3-132671020-A-G. GRCh37 (hg19) VCF-style: chr3-132389864-A-G.
Other names: c.382A>G, p.Asn128Asp (NM_001320210.2, NM_198329.4); c.280A>G, p.Asn94Asp (NM_001321238.2); c.214A>G, p.Asn72Asp (NM_001321239.1); short protein forms N184D, N72D, N94D, N128D.
Identifiers: ClinVar variation 2986433 (VCV002986433.3), dbSNP rs1476381318, ClinGen allele CA354573788.
Genomic context (GRCh38, chr3:132,671,020, plus strand): 5'-ACTAGTAATGGTGGGTTAGAAGAAGGAAAACCTGTTGATCTAGTTCTTAGCTGTGTGGAC[A>G]ATTTTGAAGCTCGAATGACAATAAATACAGTGAGTATTCCTGCTGTGCAAGATATATTCA-3'
Protein context (NP_079094.1, residues 174-194): PVDLVLSCVD[Asn184Asp]FEARMTINTA

ClinVar aggregate classification (germline): Uncertain significance (1 of 4 stars; one submission).

Allele frequency attached by ClinVar (database versions not stated): gnomAD exomes below 0.00001.
gnomAD v4.1: 2 of 1,613,334 alleles (0.00012%); highest among the groups gnomAD compares: East Asian, 0.0022%; no homozygotes.

Submission:

Labcorp Genetics (formerly Invitae), Labcorp
Classification: Uncertain significance. Last evaluated: 2022-11-27. Review status: criteria provided, single submitter. Criteria: Invitae Variant Classification Sherloc (09022015). Collection method: clinical testing. Allele origin: germline.
Comment: This sequence change replaces asparagine, which is neutral and polar, with aspartic acid, which is acidic and polar, at codon 184 of the UBA5 protein (p.Asn184Asp). This variant is present in population databases (no rsID available, gnomAD 0.0009%). This missense change has been observed in individual(s) with UBA5-related conditions (Invitae). Advanced modeling of protein sequence and biophysical properties (such as structural, functional, and spatial information, amino acid conservation, physicochemical variation, residue mobility, and thermodynamic stability) performed at Invitae indicates that this missense variant is expected to disrupt UBA5 protein function. In summary, the available evidence is currently insufficient to determine the role of this variant in disease. Therefore, it has been classified as a Variant of Uncertain Significance.